The following is an entry in ClinVar:

NM_000038.6(APC):c.7741A>G (p.Ser2581Gly)

Gene: APC (APC regulator of Wnt signaling pathway; plus strand). Cytogenetic location: 5q22.2.
Variant type: single nucleotide variant.
Coding change: c.7741A>G on transcript NM_000038.6 (MANE Select); coding-DNA position 7741, A replaced by G.
Protein change: p.Ser2581Gly; replaces serine 2581 with glycine.
Molecular consequence: missense variant.
Genome position (GRCh38, 1-based): chr5:112,843,335, A>G. VCF-style: chr5-112843335-A-G. GRCh37 (hg19) VCF-style: chr5-112179032-A-G.
Other names: c.7741A>G, p.Ser2581Gly (NM_001127510.3, NM_001354895.2); c.7687A>G, p.Ser2563Gly (NM_001127511.3); c.7795A>G, p.Ser2599Gly (NM_001354896.2); c.7771A>G, p.Ser2591Gly (NM_001354897.2); c.7666A>G, p.Ser2556Gly (NM_001354898.2); c.7657A>G, p.Ser2553Gly (NM_001354899.2); c.7618A>G, p.Ser2540Gly (NM_001354900.2); c.7564A>G, p.Ser2522Gly (NM_001354901.2); and 5 more; short protein forms S2522G, S2553G, S2298G, S2455G, S2480G, S2490G, S2556G, S2563G.
Identifiers: ClinVar variation 647034 (VCV000647034.10), dbSNP rs1404926095, ClinGen allele CA16038141.

ClinVar aggregate classification (germline): Uncertain significance (1 of 4 stars; one submission).

Conditions:
Familial adenomatous polyposis 1 (FAP1). Also called: FAMILIAL ADENOMATOUS POLYPOSIS 1, ATTENUATED; POLYPOSIS, ADENOMATOUS INTESTINAL. Identifiers: MedGen C2713442, MONDO:0021056, OMIM 175100. Disease mechanism: loss of function.

Submission:

Labcorp Genetics (formerly Invitae), Labcorp
Classification: Uncertain significance for Familial adenomatous polyposis 1. Last evaluated: 2018-12-26. Review status: criteria provided, single submitter. Criteria: Invitae Variant Classification Sherloc (09022015). Collection method: clinical testing. Allele origin: germline.
Comment: In summary, the available evidence is currently insufficient to determine the role of this variant in disease. Therefore, it has been classified as a Variant of Uncertain Significance. Algorithms developed to predict the effect of missense changes on protein structure and function are either unavailable or do not agree on the potential impact of this missense change (SIFT: "Tolerated"; PolyPhen-2: "Probably Damaging"; Align-GVGD: "Class C0"). This variant has not been reported in the literature in individuals with APC-related conditions. This variant is not present in population databases (ExAC no frequency). This sequence change replaces serine with glycine at codon 2581 of the APC protein (p.Ser2581Gly). The serine residue is highly conserved and there is a small physicochemical difference between serine and glycine.